The following is an entry in ClinVar:

ClinVar aggregate classification (germline): Uncertain significance. Review status: criteria provided, multiple submitters, no conflicts (2 of 4 stars). 2 submissions from 2 submitters: Uncertain significance (2). Last evaluated 2025-07-14.

Conditions:
Hereditary cancer-predisposing syndrome. Also called: Hereditary neoplastic syndrome; Tumor predisposition; Hereditary Cancer Syndrome; Neoplastic Syndromes, Hereditary. Identifiers: Orphanet 140162, MedGen C0027672, MeSH D009386, MONDO:0015356.

Submissions (2):

Color Diagnostics, LLC DBA Color Health
Classification: Uncertain significance for Hereditary cancer-predisposing syndrome. Last evaluated: 2025-07-14. Review status: criteria provided, single submitter. Criteria: ACMG Guidelines, 2015. Collection method: clinical testing. Allele origin: germline.
Comment: This missense variant replaces valine with phenylalanine at codon 157 of the PMS2 protein. Computational prediction is inconclusive regarding the impact of this variant on protein structure and function. To our knowledge, functional studies have not been reported for this variant. This variant has not been reported in individuals affected with PMS2-related disorders in the literature. This variant has not been identified in the general population by the Genome Aggregation Database (gnomAD). The available evidence is insufficient to determine the role of this variant in disease conclusively. Therefore, this variant is classified as a Variant of Uncertain Significance.

Ambry Genetics
Classification: Uncertain significance for Hereditary cancer-predisposing syndrome. Last evaluated: 2023-07-27. Review status: criteria provided, single submitter. Criteria: Ambry Variant Classification Scheme 2023. Collection method: clinical testing. Allele origin: germline.
Comment: The p.V157F variant (also known as c.469G>T), located in coding exon 5 of the PMS2 gene, results from a G to T substitution at nucleotide position 469. The valine at codon 157 is replaced by phenylalanine, an amino acid with highly similar properties. This amino acid position is conserved. In addition, this alteration is predicted to be deleterious by in silico analysis. Since supporting evidence is limited at this time, the clinical significance of this alteration remains unclear.

NM_000535.7(PMS2):c.469G>T (p.Val157Phe)

Gene: PMS2 (PMS1 homolog 2, mismatch repair system component; minus strand). Cytogenetic location: 7p22.1.
Variant type: single nucleotide variant.
Coding change: c.469G>T on transcript NM_000535.7 (MANE Select); coding-DNA position 469, G replaced by T.
Protein change: p.Val157Phe; replaces valine 157 with phenylalanine.
Molecular consequence: missense variant. On other transcripts: 5 prime UTR variant (2), non-coding transcript variant (1), intron variant (1).
Genome position (GRCh38, 1-based): chr7:6,002,521, C>A on the plus strand (G>T on the coding strand, the complement: PMS2 is on the minus strand). VCF-style: chr7-6002521-C-A. GRCh37 (hg19) VCF-style: chr7-6042152-C-A.
Other names: c.64G>T, p.Val22Phe (NM_001018040.1, NM_001322003.2, NM_001322004.2 and 25 more transcripts); c.469G>T, p.Val157Phe (NM_001322006.2, NM_001322014.2, NM_001406869.1 and 8 more transcripts); c.151G>T, p.Val51Phe (NM_001322007.2, NM_001322008.2, NM_001406876.1 and 4 more transcripts); c.-416G>T (NM_001322011.2, NM_001322012.2); c.160G>T, p.Val54Phe (NM_001322015.2, NM_001406875.1, NM_001406877.1 and 6 more transcripts); c.655G>T, p.Val219Phe (NM_001406866.1); c.493G>T, p.Val165Phe (NM_001406868.1); c.250+1451G>T (NM_001406885.1); short protein forms V157F, V165F, V219F, V22F, V51F, V54F.
Identifiers: ClinVar variation 2586340 (VCV002586340.3), dbSNP rs1554303946, ClinGen allele CA366744292.
Genomic context (GRCh38, chr7:6,002,521, plus strand): 5'-TATTCCTTTGAAATTCCTTATGGCGCACAGGTAGTGTGGAAAATAACTGCTGCACGCTGA[C>A]TGTGGTCCCTCTGGGGCGGGGGTAGGGGGTTTTCTGGATAATTTTCCCATTGTGATCAAA-3'
Protein context (NP_000526.2, residues 147-167): TPYPRPRGTT[Val157Phe]SVQQLFSTLP